The following is an entry in ClinVar:

NM_015909.4(NBAS):c.3368C>T (p.Thr1123Ile)

Gene: NBAS (NBAS subunit of NRZ tethering complex; minus strand). Cytogenetic location: 2p24.3.
Variant type: single nucleotide variant.
Coding change: c.3368C>T on transcript NM_015909.4 (MANE Select); coding-DNA position 3368, C replaced by T.
Protein change: p.Thr1123Ile; replaces threonine 1123 with isoleucine.
Molecular consequence: missense variant. On other transcripts: non-coding transcript variant (1).
Genome position (GRCh38, 1-based): chr2:15,379,824, G>A on the plus strand (C>T on the coding strand, the complement: NBAS is on the minus strand). VCF-style: chr2-15379824-G-A. GRCh37 (hg19) VCF-style: chr2-15519948-G-A.
Other names: short protein forms T1123I.
Identifiers: ClinVar variation 3893643 (VCV003893643.1).

ClinVar aggregate classification (germline): Uncertain significance (1 of 4 stars; one submission).

gnomAD v4.1: 11 of 1,613,600 alleles (0.00068%); highest among the groups gnomAD compares: Non-Finnish European, 0.00093%; no homozygotes.

Submission:

GeneDx
Classification: Uncertain significance. Last evaluated: 2024-10-26. Review status: criteria provided, single submitter. Criteria: GeneDx Variant Classification Process June 2021. Collection method: clinical testing. Allele origin: germline. Affected: yes.
Comment: Not observed at significant frequency in large population cohorts (gnomAD); In silico analysis supports that this missense variant has a deleterious effect on protein structure/function; Has not been previously published as pathogenic or benign to our knowledge